The following is an entry in ClinVar:

NM_152383.5(DIS3L2):c.799_800del (p.Leu267fs)

Gene: DIS3L2 (DIS3 like 3'-5' exoribonuclease 2; plus strand). Cytogenetic location: 2q37.1.
Variant type: Deletion.
Coding change: c.799_800del on transcript NM_152383.5 (MANE Select); coding-DNA positions 799 to 800, 2 bases deleted (CT; older notation c.799_800delCT).
Protein change: p.Leu267fs; shifts the reading frame from leucine 267.
Molecular consequence: frameshift variant. On other transcripts: non-coding transcript variant (1).
Genome position (GRCh38, 1-based): chr2:232,136,568-232,136,569, CT deleted. VCF-style (leftmost placement, unchanged base first): chr2-232136567-CCT-C. GRCh37 (hg19) VCF-style: chr2-233001277-CCT-C.
Other names: c.799_800del, p.Leu267fs (NM_001257281.2); c.799_800delCT (NM_152383.4); short protein forms L267fs.
Identifiers: ClinVar variation 463129 (VCV000463129.6), dbSNP rs1553610371, ClinGen allele CA658657249.
Genomic context (GRCh38, chr2:232,136,567, plus strand): 5'-AGCAACCGGCTTCCTCAAACTCTTGGCTGATAAGAACAGCGAACTGTTTAGGAAATACGC[CCT>C]GTTTTCTCCCTCAGACCACCGAGTGCCTAGAATTTATGTGCCTCTCAAGGACTGTCCCCA-3'

ClinVar aggregate classification (germline): Pathogenic (1 of 4 stars; one submission).

Conditions:
Perlman syndrome (PRLMNS). Identifiers: Orphanet 2849, MedGen C0796113, MONDO:0009965, OMIM 267000.

Allele frequency attached by ClinVar (database versions not stated): gnomAD exomes below 0.00001.

Submission:

Labcorp Genetics (formerly Invitae), Labcorp
Classification: Pathogenic for Perlman syndrome. Last evaluated: 2024-04-22. Review status: criteria provided, single submitter. Criteria: Invitae Variant Classification Sherloc (09022015). Collection method: clinical testing. Allele origin: germline.
Comment: This sequence change creates a premature translational stop signal (p.Leu267Valfs*10) in the DIS3L2 gene. It is expected to result in an absent or disrupted protein product. Loss-of-function variants in DIS3L2 are known to be pathogenic (PMID: 22306653, 28328139). This variant is not present in population databases (gnomAD no frequency). This variant has not been reported in the literature in individuals affected with DIS3L2-related conditions. ClinVar contains an entry for this variant (Variation ID: 463129). For these reasons, this variant has been classified as Pathogenic.

Literature cited by the submitters: PubMed 22306653; PubMed 28328139.